The following is an entry in ClinVar:

NM_001378454.1(ALMS1):c.91GCG[3] (p.Ala34_Ala35del)

Gene: ALMS1 (ALMS1 centrosome and basal body associated protein; plus strand). Cytogenetic location: 2p13.1.
Variant type: Microsatellite.
Coding change: c.91GCG[3] on transcript NM_001378454.1 (MANE Select); three copies in a row of the 3-base unit GCG starting at c.91; the reference has five copies in a row; two copies, 6 bases deleted.
Protein change: p.Ala34_Ala35del.
Molecular consequence: inframe deletion.
Genome position (GRCh38, 1-based): chr2:73,385,968-73,385,973, GCGGCG deleted; deleting any 6 consecutive bases within chr2:73,385,959-73,385,973 gives the same sequence; the position shown is the placement nearest the transcript's 3' end. VCF-style (leftmost placement, unchanged base first): chr2-73385958-AGCGGCG-A. GRCh37 (hg19) VCF-style: chr2-73613086-AGCGGCG-A.
Other names: c.103_108delGCGGCG (NM_015120.4); c.94GCG[3], p.Ala35_Ala36del (NM_015120.4).
Identifiers: ClinVar variation 669342 (VCV000669342.5), dbSNP rs746896173, ClinGen allele CA1712737.

ClinVar aggregate classification (germline): Conflicting classifications of pathogenicity. Review status: criteria provided, conflicting classifications (1 of 4 stars). 3 submissions from 3 submitters: Uncertain significance (1); Likely benign (2). Last evaluated 2026-02-18.

Conditions:
Cardiovascular phenotype. Identifiers: MedGen CN230736.
Alstrom syndrome (ALMS). Identifiers: Orphanet 64, MedGen C0268425, MONDO:0008763, OMIM 203800.

Submissions (3):

Ambry Genetics
Classification: Likely benign for Cardiovascular phenotype. Last evaluated: 2026-02-18. Review status: criteria provided, single submitter. Criteria: Ambry Variant Classification Scheme 2023. Collection method: clinical testing. Allele origin: germline.

Labcorp Genetics (formerly Invitae), Labcorp
Classification: Uncertain significance for Alstrom syndrome. Last evaluated: 2021-09-07. Review status: criteria provided, single submitter. Criteria: Invitae Variant Classification Sherloc (09022015). Collection method: clinical testing. Allele origin: germline.

GeneDx
Classification: Likely benign. Last evaluated: 2018-06-07. Review status: criteria provided, single submitter. Criteria: GeneDx Variant Classification (06012015). Collection method: clinical testing. Allele origin: germline. Affected: yes.
Comment: This variant is considered likely benign or benign based on one or more of the following criteria: it is a conservative change, it occurs at a poorly conserved position in the protein, it is predicted to be benign by multiple in silico algorithms, and/or has population frequency not consistent with disease.